The following is an entry in ClinVar:

ClinVar aggregate classification (germline): Pathogenic (1 of 4 stars; one submission).

Submission:

GeneDx
Classification: Pathogenic. Last evaluated: 2025-10-18. Review status: criteria provided, single submitter. Criteria: GeneDx Variant Classification Process June 2021. Collection method: clinical testing. Allele origin: germline. Affected: yes.
Comment: Frameshift variant predicted to result in protein truncation or nonsense mediated decay in a gene for which loss of function is a known mechanism of disease; Not observed at significant frequency in large population cohorts (gnomAD); Has not been previously published as pathogenic or benign to our knowledge

NM_002968.3(SALL1):c.1380_1381del (p.Ser460fs)

Gene: SALL1 (spalt like transcription factor 1; minus strand). Cytogenetic location: 16q12.1.
Variant type: Deletion.
Coding change: c.1380_1381del on transcript NM_002968.3 (MANE Select); coding-DNA positions 1380 to 1381, 2 bases deleted (TG; older notation c.1380_1381delTG).
Protein change: p.Ser460fs; shifts the reading frame from serine 460.
Molecular consequence: frameshift variant.
Genome position (GRCh38, 1-based): chr16:51,140,841-51,140,842, CA deleted on the plus strand (TG on the coding strand, the reverse complement: SALL1 is on the minus strand); deleting any 2 consecutive bases within chr16:51,140,841-51,140,843 gives the same sequence; the c. name uses the placement nearest the transcript's 3' end. VCF-style (leftmost placement, unchanged base first): chr16-51140840-TCA-T. GRCh37 (hg19) VCF-style: chr16-51174751-TCA-T.
Other names: c.1380_1381del (NM_002968.2); c.1380_1381delTG (NM_002968.2); c.1089_1090del, p.Ser363fs (NM_001127892.2); short protein forms S363fs, S460fs.
Identifiers: ClinVar variation 424424 (VCV000424424.3), dbSNP rs1064796960, ClinGen allele CA16620211.